The following is an entry in ClinVar:

NM_001933.5(DLST):c.697C>T (p.Arg233Cys)

Gene: DLST (dihydrolipoamide S-succinyltransferase; plus strand). Cytogenetic location: 14q24.3.
Variant type: single nucleotide variant.
Coding change: c.697C>T on transcript NM_001933.5 (MANE Select); coding-DNA position 697, C replaced by T.
Protein change: p.Arg233Cys; replaces arginine 233 with cysteine.
Molecular consequence: missense variant. On other transcripts: non-coding transcript variant (2).
Genome position (GRCh38, 1-based): chr14:74,894,336, C>T. VCF-style: chr14-74894336-C-T. GRCh37 (hg19) VCF-style: chr14-75361039-C-T.
Other names: short protein forms R233C.
Identifiers: ClinVar variation 3031177 (VCV003031177.2), dbSNP rs1402244328, ClinGen allele CA390416390.

ClinVar aggregate classification (germline): Uncertain significance (0 of 4 stars; one submission).

Conditions:
DLST-related disorder. Also called: DLST-related condition.

Allele frequency attached by ClinVar (database versions not stated): gnomAD exomes below 0.00001; TOPMed below 0.00001.
gnomAD v4.1: 3 of 1,614,112 alleles (0.00019%); highest among the groups gnomAD compares: South Asian, 0.0011%; no homozygotes.

Submission:

PreventionGenetics, part of Exact Sciences
Classification: Uncertain significance for DLST-related condition. Last evaluated: 2023-12-11. Review status: no assertion criteria provided. Collection method: clinical testing. Allele origin: germline.
Comment: The DLST c.697C>T variant is predicted to result in the amino acid substitution p.Arg233Cys. To our knowledge, this variant has not been reported in the literature or in a large population database, indicating this variant is rare. At this time, the clinical significance of this variant is uncertain due to the absence of conclusive functional and genetic evidence.